The following is an entry in ClinVar:

NM_000349.3(STAR):c.496A>G (p.Ile166Val)

Gene: STAR (steroidogenic acute regulatory protein; minus strand). Cytogenetic location: 8p11.23.
Variant type: single nucleotide variant.
Coding change: c.496A>G on transcript NM_000349.3 (MANE Select); coding-DNA position 496, A replaced by G.
Protein change: p.Ile166Val; replaces isoleucine 166 with valine.
Molecular consequence: missense variant.
Genome position (GRCh38, 1-based): chr8:38,146,117, T>C on the plus strand (A>G on the coding strand, the complement: STAR is on the minus strand). VCF-style: chr8-38146117-T-C. GRCh37 (hg19) VCF-style: chr8-38003635-T-C.
Other names: short protein forms I166V.
Identifiers: ClinVar variation 4781847 (VCV004781847.1).

ClinVar aggregate classification (germline): Uncertain significance (1 of 4 stars; one submission).

gnomAD v4.1: 1 of 1,614,108 alleles (0.000062%); highest among the groups gnomAD compares: Admixed American, 0.0017%; no homozygotes.

Submission:

Labcorp Genetics (formerly Invitae), Labcorp
Classification: Uncertain significance. Last evaluated: 2025-07-28. Review status: criteria provided, single submitter. Criteria: Invitae Variant Classification Sherloc (09022015). Collection method: clinical testing. Allele origin: germline.
Comment: This sequence change replaces isoleucine, which is neutral and non-polar, with valine, which is neutral and non-polar, at codon 166 of the STAR protein (p.Ile166Val). This variant is present in population databases (no rsID available, gnomAD 0.003%). This variant has not been reported in the literature in individuals affected with STAR-related conditions. Invitae Evidence Modeling of protein sequence and biophysical properties (such as structural, functional, and spatial information, amino acid conservation, physicochemical variation, residue mobility, and thermodynamic stability) indicates that this missense variant is not expected to disrupt STAR protein function with a negative predictive value of 80%. In summary, the available evidence is currently insufficient to determine the role of this variant in disease. Therefore, it has been classified as a Variant of Uncertain Significance.